The following is an entry in ClinVar:

NM_000061.3(BTK):c.2T>C (p.Met1Thr)

Gene: BTK (Bruton tyrosine kinase; minus strand). Cytogenetic location: Xq22.1.
Variant type: single nucleotide variant.
Coding change: c.2T>C on transcript NM_000061.3 (MANE Select); coding-DNA position 2, T replaced by C.
Protein change: p.Met1Thr; changes the start codon (methionine 1).
Molecular consequence: missense variant, initiator codon variant.
Genome position (GRCh38, 1-based): chrX:101,375,283, A>G on the plus strand (T>C on the coding strand, the complement: BTK is on the minus strand). VCF-style: chrX-101375283-A-G. GRCh37 (hg19) VCF-style: chrX-100630271-A-G.
Other names: c.104T>C, p.Met35Thr (NM_001287344.2); c.2T>C, p.Met1Thr (NM_001287345.2); short protein forms M1T, M35T.
Identifiers: ClinVar variation 11349 (VCV000011349.13), dbSNP rs128620186, ClinGen allele CA255796.

ClinVar aggregate classification (germline): Pathogenic/Likely pathogenic. Review status: criteria provided, multiple submitters, no conflicts (2 of 4 stars). 3 submissions from 3 submitters: Pathogenic (1); Likely pathogenic (1). 1 of the submissions does not count toward it. Last evaluated 2025-06-01.

Conditions:
X-linked agammaglobulinemia (XLA). Also called: Agammaglobulinemia, Bruton tyrosine kinase; Agammaglobulinemia, BTK; BTK-deficiency; Bruton-type agammaglobulinemia; Bruton's agammaglobulinemia; AGAMMAGLOBULINEMIA, X-LINKED, TYPE 1. Identifiers: Orphanet 229717, Orphanet 47, MedGen C0221026, MONDO:0010421, OMIM 300755.
X-linked agammaglobulinemia with growth hormone deficiency (IGHD3). Also called: AGAMMAGLOBULINEMIA AND ISOLATED GROWTH HORMONE DEFICIENCY, X-LINKED; ISOLATED GROWTH HORMONE DEFICIENCY, TYPE III, WITH AGAMMAGLOBULINEMIA; FLEISHER SYNDROME; Isolated growth hormone deficiency type 3; Growth hormone deficiency with hypogammaglobulinemia; HYPOGAMMAGLOBULINEMIA AND ISOLATED GROWTH HORMONE DEFICIENCY, X-LINKED. Identifiers: Orphanet 231692, Orphanet 631, MedGen C0472813, MONDO:0010615, OMIM 307200.

Submissions (3):

CeGaT Center for Human Genetics Tuebingen
Classification: Likely pathogenic. Last evaluated: 2025-06-01. Review status: criteria provided, single submitter. Criteria: CeGaT Center For Human Genetics Tuebingen Variant Classification Criteria Version 2. Collection method: clinical testing. Allele origin: germline. Affected: yes. Observed: 1 variant allele.
Comment: BTK: PM2, PS1:Moderate, PS4:Moderate, PVS1:Moderate

Labcorp Genetics (formerly Invitae), Labcorp
Classification: Pathogenic for X-linked agammaglobulinemia with growth hormone deficiency. Last evaluated: 2025-04-23. Review status: criteria provided, single submitter. Criteria: Invitae Variant Classification Sherloc (09022015). Collection method: clinical testing. Allele origin: germline.
Comment: This sequence change affects the initiator codon of the BTK mRNA. This change may impact translation initiation or efficiency. The next in-frame methionine is located at codon 89. This variant is not present in population databases (gnomAD no frequency). Disruption of the initiator codon has been observed in individuals with clinical features of BTK-related conditions (PMID: 7849697, 8644706, 10737994, 23335184). It has also been observed to segregate with disease in related individuals. ClinVar contains an entry for this variant (Variation ID: 11349). For these reasons, this variant has been classified as Pathogenic.

OMIM
Classification: Pathogenic for AGAMMAGLOBULINEMIA, X-LINKED. Last evaluated: 1996-03-01. Review status: no assertion criteria provided. Collection method: literature only. Allele origin: germline. Not counted in ClinVar's aggregate classification.

Literature cited by the submitters: PubMed 7849697 (cited by Labcorp Genetics (formerly Invitae), Labcorp); PubMed 8644706 (cited by Labcorp Genetics (formerly Invitae), Labcorp and OMIM); PubMed 10737994 (cited by Labcorp Genetics (formerly Invitae), Labcorp); PubMed 23335184 (cited by Labcorp Genetics (formerly Invitae), Labcorp).